The following is an entry in ClinVar:

NM_004500.4(HNRNPC):c.20A>G (p.Asn7Ser)

Gene: HNRNPC (heterogeneous nuclear ribonucleoprotein C; minus strand). Cytogenetic location: 14q11.2.
Variant type: single nucleotide variant.
Coding change: c.20A>G on transcript NM_004500.4 (MANE Select); coding-DNA position 20, A replaced by G.
Protein change: p.Asn7Ser; replaces asparagine 7 with serine.
Molecular consequence: missense variant.
Genome position (GRCh38, 1-based): chr14:21,234,174, T>C on the plus strand (A>G on the coding strand, the complement: HNRNPC is on the minus strand). VCF-style: chr14-21234174-T-C. GRCh37 (hg19) VCF-style: chr14-21702333-T-C.
Other names: c.20A>G, p.Asn7Ser (NM_001077442.2, NM_001077443.2, NM_031314.3); short protein forms N7S.
Identifiers: ClinVar variation 2577602 (VCV002577602.1), dbSNP rs2502179486, ClinGen allele CA389182253.
Genomic context (GRCh38, chr14:21,234,174, plus strand): 5'-ACAAGAGTGTTGAGATTCCCAATGAATACACGGGAGTTCATGGAGCGAGGATCTGTCTTG[T>C]TGGTAACGTTGCTGGCCATCGTGTTTGATGGTAAGGTTTCTCACAAAGCCGAAAACTGTA-3'
Protein context (NP_004491.2, residues 1-17): MASNVT[Asn7Ser]KTDPRSMNSR

ClinVar aggregate classification (germline): Uncertain significance (1 of 4 stars; one submission).

Submission:

GeneDx
Classification: Uncertain significance. Last evaluated: 2022-07-27. Review status: criteria provided, single submitter. Criteria: GeneDx Variant Classification Process June 2021. Collection method: clinical testing. Allele origin: germline. Affected: yes.
Comment: Not observed at significant frequency in large population cohorts (gnomAD); In silico analysis supports that this missense variant has a deleterious effect on protein structure/function; Has not been previously published as pathogenic or benign to our knowledge; Variants in candidate genes are classified as variants of uncertain significance in accordance with ACMG guidelines (Richards et al., 2015)